The following is an entry in ClinVar:

ClinVar aggregate classification (germline): Benign/Likely benign. Review status: criteria provided, multiple submitters, no conflicts (2 of 4 stars). 5 submissions from 5 submitters: Benign (4); Likely benign (1). Last evaluated 2026-08-01.

Allele frequency attached by ClinVar (database versions not stated): 1000 Genomes Project 30x 0.00281; 1000 Genomes Project 0.00339; ExAC 0.00496; TOPMed 0.00647; gnomAD exomes 0.00718 and 0.01174; gnomAD 0.00790 and 0.00827; ESP Exome Variant Server 0.00964.
gnomAD v4.1: 17,353 of 1,545,800 alleles (1.1%); highest among the groups gnomAD compares: Non-Finnish European, 1.3%; 133 homozygotes.

Submissions (5):

CeGaT Center for Human Genetics Tuebingen
Classification: Benign. Last evaluated: 2026-08-01. Review status: criteria provided, single submitter. Criteria: CeGaT Center For Human Genetics Tuebingen Variant Classification Criteria Version 2. Collection method: clinical testing. Allele origin: germline. Affected: yes. Observed: 12 variant alleles.
Comment: PTPRQ: BP4, BP7, BS1, BS2

Blueprint Genetics
Classification: Likely benign. Last evaluated: 2024-11-26. Review status: criteria provided, single submitter. Criteria: ACMG Guidelines, 2015. Collection method: clinical testing. Allele origin: germline.

GeneDx
Classification: Benign. Last evaluated: 2020-02-24. Review status: criteria provided, single submitter. Criteria: GeneDx Variant Classification Process June 2021. Collection method: clinical testing. Allele origin: germline. Affected: yes.

Athena Diagnostics
Classification: Benign. Last evaluated: 2019-02-18. Review status: criteria provided, single submitter. Criteria: Athena Diagnostics Criteria. Collection method: clinical testing. Allele origin: germline.

Breakthrough Genomics
Classification: Benign. Review status: criteria provided, single submitter. Criteria: ACMG Guidelines, 2015. Collection method: not provided. Allele origin: germline. Inheritance: Autosomal recessive inheritance. Affected: yes.

NM_001145026.2(PTPRQ):c.4689T>C (p.Ala1563=)

Gene: PTPRQ (protein tyrosine phosphatase receptor type Q; plus strand). Cytogenetic location: 12q21.31.
Variant type: single nucleotide variant.
Coding change: c.4689T>C on transcript NM_001145026.2 (MANE Select); coding-DNA position 4689, T replaced by C.
Protein change: p.Ala1563=; no amino-acid change (alanine 1563 retained).
Molecular consequence: synonymous variant.
Genome position (GRCh38, 1-based): chr12:80,605,138, T>C. VCF-style: chr12-80605138-T-C. GRCh37 (hg19) VCF-style: chr12-80998917-T-C.
Identifiers: ClinVar variation 805262 (VCV000805262.29), dbSNP rs182230226, ClinGen allele CA6702749.